The following is an entry in ClinVar:

NM_004006.2(DMD):c.10225_10229delCCCGT

Gene: DMD (dystrophin; minus strand). Cytogenetic location: Xp21.2.
Variant type: Deletion.
Coding change: c.10225_10229delCCCGT on transcript NM_004006.2; coding-DNA positions 10225 to 10229, 5 bases deleted (CCCGT).
Molecular consequence: intron variant (on NM_004023.3).
Genome position (GRCh38, 1-based): chrX:31,177,965-31,177,969, ACGGG deleted on the plus strand (CCCGT on the coding strand, the reverse complement: DMD is on the minus strand); deleting any 5 consecutive bases within chrX:31,177,965-31,177,971 gives the same sequence; the c. name uses the placement nearest the transcript's 3' end. VCF-style (leftmost placement, unchanged base first): chrX-31177964-AACGGG-A. GRCh37 (hg19) VCF-style: chrX-31196081-AACGGG-A.
Other names: c.2843+700_2843+704del (NM_004023.3, NM_004020.4, NM_004022.3); c.1019+700_1019+704del (NM_004018.3, NM_004017.3).
Identifiers: ClinVar variation 1331470 (VCV001331470.3), dbSNP rs2148280593, ClinGen allele CA2573055234.

ClinVar aggregate classification (germline): Likely pathogenic (1 of 4 stars; one submission).

Conditions:
Neuromuscular disease caused by qualitative or quantitative defects of dystrophin. Also called: Qualitative or quantitative defects of dystrophin. Identifiers: Orphanet 207085, MedGen C5679787, MONDO:0016147.

Submission:

Women's Health and Genetics/Laboratory Corporation of America, LabCorp
Classification: Likely pathogenic for Neuromuscular disease caused by qualitative or quantitative defects of dystrophin. Last evaluated: 2021-12-22. Review status: criteria provided, single submitter. Criteria: LabCorp Variant Classification Summary - May 2015. Collection method: clinical testing. Allele origin: germline.
Comment: Variant summary: DMD c.10225_10229delCCCGT (p.Pro3409TyrfsX22) results in a premature termination codon, predicted to cause a truncation of the encoded protein or absence of the protein due to nonsense mediated decay, which are commonly known mechanisms for disease. The variant was absent in 177649 control chromosomes (gnomAD). c.10225_10229delCCCGT has been reported in the literature in a family affected with Dystrophinopathies (Deburgrave_2007, Daoud_2009). Analysis using muscle dystrophin mRNA, revealed that the variant results in the formation of two mRNA isoforms: one isoform with the variant in exon 71 and another in-frame mRNA isoform lacking exon 71. These data indicate that the variant may be associated with disease. No clinical diagnostic laboratories have submitted clinical-significance assessments for this variant to ClinVar after 2014. Based on the evidence outlined above, the variant was classified as likely pathogenic.

Literature cited by the submitters: PubMed 19602481; PubMed 17041906.